The following is an entry in ClinVar:

ClinVar aggregate classification (germline): Uncertain significance (1 of 4 stars; one submission).

Submission:

Labcorp Genetics (formerly Invitae), Labcorp
Classification: Uncertain significance. Last evaluated: 2024-10-21. Review status: criteria provided, single submitter. Criteria: Invitae Variant Classification Sherloc (09022015). Collection method: clinical testing. Allele origin: germline.
Comment: This sequence change replaces tyrosine, which is neutral and polar, with histidine, which is basic and polar, at codon 683 of the MYO3A protein (p.Tyr683His). This variant is not present in population databases (gnomAD no frequency). This variant has not been reported in the literature in individuals affected with MYO3A-related conditions. Invitae Evidence Modeling of protein sequence and biophysical properties (such as structural, functional, and spatial information, amino acid conservation, physicochemical variation, residue mobility, and thermodynamic stability) indicates that this missense variant is expected to disrupt MYO3A protein function with a positive predictive value of 80%. In summary, the available evidence is currently insufficient to determine the role of this variant in disease. Therefore, it has been classified as a Variant of Uncertain Significance.

NM_017433.5(MYO3A):c.2047T>C (p.Tyr683His)

Gene: MYO3A (myosin IIIA; plus strand). Cytogenetic location: 10p12.1.
Variant type: single nucleotide variant.
Coding change: c.2047T>C on transcript NM_017433.5 (MANE Select); coding-DNA position 2047, T replaced by C.
Protein change: p.Tyr683His; replaces tyrosine 683 with histidine.
Molecular consequence: missense variant.
Genome position (GRCh38, 1-based): chr10:26,125,541, T>C. VCF-style: chr10-26125541-T-C. GRCh37 (hg19) VCF-style: chr10-26414470-T-C.
Other names: short protein forms Y683H.
Identifiers: ClinVar variation 3681667 (VCV003681667.2).